The following is an entry in ClinVar:

ClinVar aggregate classification (germline): Uncertain significance (1 of 4 stars; one submission).

gnomAD v4.1: 1 of 1,210,240 alleles (0.000083%); highest among the groups gnomAD compares: Admixed American, 0.0044%; no homozygotes.

Submission:

Labcorp Genetics (formerly Invitae), Labcorp
Classification: Uncertain significance. Last evaluated: 2022-06-27. Review status: criteria provided, single submitter. Criteria: Invitae Variant Classification Sherloc (09022015). Collection method: clinical testing. Allele origin: germline.
Comment: In summary, the available evidence is currently insufficient to determine the role of this variant in disease. Therefore, it has been classified as a Variant of Uncertain Significance. Algorithms developed to predict the effect of missense changes on protein structure and function are either unavailable or do not agree on the potential impact of this missense change (SIFT: "Tolerated"; PolyPhen-2: "Not Available"; Align-GVGD: "Class C0"). This variant has not been reported in the literature in individuals affected with INPPL1-related conditions. This variant is not present in population databases (gnomAD no frequency). This sequence change replaces glycine, which is neutral and non-polar, with aspartic acid, which is acidic and polar, at codon 9 of the INPPL1 protein (p.Gly9Asp).

NM_001567.4(INPPL1):c.26G>A (p.Gly9Asp)

Genes: INPPL1 (inositol polyphosphate phosphatase like 1; plus strand), LOC130006327 (ATAC-STARR-seq lymphoblastoid silent region 3716; plus strand). Cytogenetic location: 11q13.4.
Variant type: single nucleotide variant.
Coding change: c.26G>A on transcript NM_001567.4 (MANE Select); coding-DNA position 26, G replaced by A.
Protein change: p.Gly9Asp; replaces glycine 9 with aspartic acid.
Molecular consequence: missense variant.
Genome position (GRCh38, 1-based): chr11:72,225,010, G>A. VCF-style: chr11-72225010-G-A. GRCh37 (hg19) VCF-style: chr11-71936054-G-A.
Other names: short protein forms G9D.
Identifiers: ClinVar variation 1379744 (VCV001379744.4), dbSNP rs1239738293, ClinGen allele CA381754802.